The following is an entry in ClinVar:

ClinVar aggregate classification (germline): Benign. Review status: criteria provided, multiple submitters, no conflicts (2 of 4 stars). 2 submissions from 2 submitters: Benign (2). Last evaluated 2018-06-14.

Allele frequency attached by ClinVar (database versions not stated): 1000 Genomes Project 0.04912; 1000 Genomes Project 30x 0.05028; TOPMed 0.06245.
gnomAD v4.1: 28,045 of 634,510 alleles (4.4%); highest among the groups gnomAD compares: African/African-American, 12%; 863 homozygotes.

Submissions (2):

GeneDx
Classification: Benign. Last evaluated: 2018-06-14. Review status: criteria provided, single submitter. Criteria: GeneDx Variant Classification (06012015). Collection method: clinical testing. Allele origin: germline. Affected: yes.
Comment: This variant is considered likely benign or benign based on one or more of the following criteria: it is a conservative change, it occurs at a poorly conserved position in the protein, it is predicted to be benign by multiple in silico algorithms, and/or has population frequency not consistent with disease.

Breakthrough Genomics
Classification: Benign. Review status: criteria provided, single submitter. Criteria: ACMG Guidelines, 2015. Collection method: not provided. Allele origin: germline. Inheritance: Autosomal recessive inheritance. Affected: yes.

NM_018718.3(CEP41):c.643-166A>C

Gene: CEP41 (centrosomal protein 41; minus strand). Cytogenetic location: 7q32.2.
Variant type: single nucleotide variant.
Coding change: c.643-166A>C on transcript NM_018718.3 (MANE Select); 166 bases into the intron before coding-DNA position 643, A replaced by C.
Molecular consequence: intron variant.
Genome position (GRCh38, 1-based): chr7:130,400,987, T>G on the plus strand (A>C on the coding strand, the complement: CEP41 is on the minus strand). VCF-style: chr7-130400987-T-G. GRCh37 (hg19) VCF-style: chr7-130040828-T-G.
Other names: c.595-166A>C (NM_001257159.2); c.643-166A>C (NM_001257158.2).
Identifiers: ClinVar variation 678347 (VCV000678347.2), dbSNP rs73484537, ClinGen allele CA12619312.